The following is an entry in ClinVar:

ClinVar aggregate classification (germline): Uncertain significance. Review status: criteria provided, multiple submitters, no conflicts (2 of 4 stars). 5 submissions from 5 submitters: Uncertain significance (5). Last evaluated 2024-07-10.

Conditions:
Arrhythmogenic right ventricular cardiomyopathy (ARVD). Also called: Cardiomyopathy, ARVC; Arrhythmogenic right ventricular dysplasia; Arrhythmogenic cardiomyopathy; Arrhythmogenic Right Ventricular Cardiomyopathy (ARVC). Identifiers: Orphanet 247, MedGen C0349788, MeSH D019571, MONDO:0016587. Disease mechanism: loss of function. Inheritance: Various modes of inheritance.
Cardiomyopathy (CMYO). Also called: Cardiomyopathies. Identifiers: Orphanet 167848, MedGen C0878544, MONDO:0004994, HP:0001638. Inheritance: Various modes of inheritance.
Arrhythmogenic right ventricular dysplasia 9 (ARVD9). Also called: ARRHYTHMOGENIC RIGHT VENTRICULAR DYSPLASIA, FAMILIAL, 9; Arrhythmogenic Right Ventricular Dysplasia/Cardiomyopathy 9. Identifiers: MedGen C1836906, MONDO:0012180, OMIM 609040.

Allele frequency attached by ClinVar (database versions not stated): TOPMed below 0.00001; gnomAD 0.00002; ExAC 0.00003; gnomAD exomes 0.00003.
gnomAD v4.1: 25 of 1,613,914 alleles (0.0015%); highest among the groups gnomAD compares: Non-Finnish European, 0.00051%; no homozygotes.

Submissions (5):

All of Us Research Program, National Institutes of Health
Classification: Uncertain significance for Arrhythmogenic right ventricular cardiomyopathy. Last evaluated: 2024-07-10. Review status: criteria provided, single submitter. Criteria: ACMG Guidelines, 2015. Collection method: clinical testing. Allele origin: germline. Inheritance: Autosomal dominant inheritance. Observed: 2 variant alleles, 2 heterozygotes.
Comment: This missense variant replaces methionine with valine at codon 349 of the PKP2 protein. Computational prediction suggests that this variant may not impact protein structure and function (internally defined REVEL score threshold <= 0.5, PMID: 27666373). To our knowledge, functional studies have not been reported for this variant. This variant has not been reported in individuals affected with PKP2-related disorders in the literature. This variant has been identified in 10/282680 chromosomes in the general population by the Genome Aggregation Database (gnomAD). The available evidence is insufficient to determine the role of this variant in disease conclusively. Therefore, this variant is classified as a Variant of Uncertain Significance.

This study involves interpretation of variants in research participants for the purpose of population health screening. Participant phenotype was not available at the time of variant classification. Additional details can be found in publication PMID: 35346344, PMCID: PMC8962531

Color Diagnostics, LLC DBA Color Health
Classification: Uncertain significance for Cardiomyopathy. Last evaluated: 2024-06-13. Review status: criteria provided, single submitter. Criteria: ACMG Guidelines, 2015. Collection method: clinical testing. Allele origin: germline.
Comment: This missense variant replaces methionine with valine at codon 349 of the PKP2 protein. Computational prediction suggests that this variant may not impact protein structure and function (internally defined REVEL score threshold <= 0.5, PMID: 27666373). To our knowledge, functional studies have not been reported for this variant. This variant has not been reported in individuals affected with PKP2-related disorders in the literature. This variant has been identified in 10/282680 chromosomes in the general population by the Genome Aggregation Database (gnomAD). The available evidence is insufficient to determine the role of this variant in disease conclusively. Therefore, this variant is classified as a Variant of Uncertain Significance.

Blueprint Genetics
Classification: Uncertain significance. Last evaluated: 2022-10-10. Review status: criteria provided, single submitter. Criteria: ACMG Guidelines, 2015. Collection method: clinical testing. Allele origin: germline.

Labcorp Genetics (formerly Invitae), Labcorp
Classification: Uncertain significance for Arrhythmogenic right ventricular dysplasia 9. Last evaluated: 2022-06-13. Review status: criteria provided, single submitter. Criteria: Invitae Variant Classification Sherloc (09022015). Collection method: clinical testing. Allele origin: germline.
Comment: In summary, the available evidence is currently insufficient to determine the role of this variant in disease. Therefore, it has been classified as a Variant of Uncertain Significance. Algorithms developed to predict the effect of missense changes on protein structure and function output the following: SIFT: "Tolerated"; PolyPhen-2: "Benign"; Align-GVGD: "Class C0". The valine amino acid residue is found in multiple mammalian species, which suggests that this missense change does not adversely affect protein function. ClinVar contains an entry for this variant (Variation ID: 180472). This variant has not been reported in the literature in individuals affected with PKP2-related conditions. This variant is present in population databases (rs199957846, gnomAD 0.02%). This sequence change replaces methionine, which is neutral and non-polar, with valine, which is neutral and non-polar, at codon 349 of the PKP2 protein (p.Met349Val).

Biesecker Lab/Clinical Genomics Section, National Institutes of Health
Classification: Uncertain significance. Last evaluated: 2013-06-24. Review status: criteria provided, single submitter. Criteria: Ng et al. (Circ Cardiovasc Genet. 2013). Collection method: research. Allele origin: unknown. Observed: 1 variant allele. Study: ClinSeq.
Comment: The study set was not selected for affection status in relation to any cancer. Pathogenicity categories were based on literature curation. See Pubmed ID:23861362 for details.

Medical sequencing

NM_001005242.3(PKP2):c.1045A>G (p.Met349Val)

Gene: PKP2 (plakophilin 2; minus strand). Cytogenetic location: 12p11.21.
Variant type: single nucleotide variant.
Coding change: c.1045A>G on transcript NM_001005242.3 (MANE Select); coding-DNA position 1045, A replaced by G.
Protein change: p.Met349Val; replaces methionine 349 with valine.
Molecular consequence: missense variant.
Genome position (GRCh38, 1-based): chr12:32,869,052, T>C on the plus strand (A>G on the coding strand, the complement: PKP2 is on the minus strand). VCF-style: chr12-32869052-T-C. GRCh37 (hg19) VCF-style: chr12-33021986-T-C.
Other names: c.1045A>G, p.Met349Val (NM_004572.4); short protein forms M349V.
Identifiers: ClinVar variation 180472 (VCV000180472.11), dbSNP rs199957846, ClinGen allele CA010717.
Genomic context (GRCh38, chr12:32,869,052, plus strand): 5'-TGGATGGCAGCATGTGGTCTGCCTCGAGCATACTCACTGCTCGCTCCAGAGTCATCTCCA[T>C]GTCTGCATTCCTAGACAAACAGGCACAGATTCAGCCAGATTCCAAACCTCCCTCCTCCTG-3'
Protein context (NP_001005242.2, residues 339-359): FTDSQLGNAD[Met349Val]EMTLERAVSM